The following is an entry in ClinVar:

NM_024678.6(NARS2):c.635A>G (p.Asn212Ser)

Gene: NARS2 (asparaginyl-tRNA synthetase 2, mitochondrial; minus strand). Cytogenetic location: 11q14.1.
Variant type: single nucleotide variant.
Coding change: c.635A>G on transcript NM_024678.6 (MANE Select); coding-DNA position 635, A replaced by G.
Protein change: p.Asn212Ser; replaces asparagine 212 with serine.
Molecular consequence: missense variant. On other transcripts: 5 prime UTR variant (1).
Genome position (GRCh38, 1-based): chr11:78,528,896, T>C on the plus strand (A>G on the coding strand, the complement: NARS2 is on the minus strand). VCF-style: chr11-78528896-T-C. GRCh37 (hg19) VCF-style: chr11-78239942-T-C.
Other names: c.-47A>G (NM_001243251.2); short protein forms N212S.
Identifiers: ClinVar variation 2081780 (VCV002081780.4), dbSNP rs754348995, ClinGen allele CA6205768.

ClinVar aggregate classification (germline): Uncertain significance (1 of 4 stars; one submission).

Allele frequency attached by ClinVar (database versions not stated): gnomAD 0.00001; gnomAD exomes 0.00002; TOPMed 0.00002; ExAC 0.00007.

Submission:

Labcorp Genetics (formerly Invitae), Labcorp
Classification: Uncertain significance. Last evaluated: 2025-06-04. Review status: criteria provided, single submitter. Criteria: Invitae Variant Classification Sherloc (09022015). Collection method: clinical testing. Allele origin: germline.
Comment: This sequence change replaces asparagine, which is neutral and polar, with serine, which is neutral and polar, at codon 212 of the NARS2 protein (p.Asn212Ser). This variant is present in population databases (rs754348995, gnomAD 0.007%). This variant has not been reported in the literature in individuals affected with NARS2-related conditions. ClinVar contains an entry for this variant (Variation ID: 2081780). Invitae Evidence Modeling of protein sequence and biophysical properties (such as structural, functional, and spatial information, amino acid conservation, physicochemical variation, residue mobility, and thermodynamic stability) indicates that this missense variant is not expected to disrupt NARS2 protein function with a negative predictive value of 80%. In summary, the available evidence is currently insufficient to determine the role of this variant in disease. Therefore, it has been classified as a Variant of Uncertain Significance.